The following is an entry in ClinVar:

ClinVar aggregate classification (germline): Uncertain significance. Review status: criteria provided, multiple submitters, no conflicts (2 of 4 stars). 2 submissions from 2 submitters: Uncertain significance (2). Last evaluated 2024-10-25.

Conditions:
Hereditary nonpolyposis colorectal neoplasms. Identifiers: MedGen C0009405, MeSH D003123.
Hereditary cancer-predisposing syndrome. Also called: Neoplastic Syndromes, Hereditary; Hereditary Cancer Syndrome; Hereditary neoplastic syndrome; Tumor predisposition. Identifiers: Orphanet 140162, MedGen C0027672, MeSH D009386, MONDO:0015356.

Allele frequency attached by ClinVar (database versions not stated): gnomAD exomes below 0.00001.
gnomAD v4.1: 1 of 1,613,332 alleles (0.000062%); highest among the groups gnomAD compares: Non-Finnish European, 0.000085%; no homozygotes.

Submissions (2):

Ambry Genetics
Classification: Uncertain significance for Hereditary cancer-predisposing syndrome. Last evaluated: 2024-10-25. Review status: criteria provided, single submitter. Criteria: Ambry Variant Classification Scheme 2023. Collection method: clinical testing. Allele origin: germline.
Comment: The p.H1317R variant (also known as c.3950A>G), located in coding exon 9 of the MSH6 gene, results from an A to G substitution at nucleotide position 3950. The histidine at codon 1317 is replaced by arginine, an amino acid with highly similar properties. This amino acid position is conserved. In addition, the in silico prediction for this alteration is inconclusive. Based on the available evidence, the clinical significance of this variant remains unclear.

Labcorp Genetics (formerly Invitae), Labcorp
Classification: Uncertain significance for Hereditary nonpolyposis colorectal neoplasms. Last evaluated: 2015-06-29. Review status: criteria provided, single submitter. Criteria: Invitae Variant Classification Sherloc (09022015). Collection method: clinical testing. Allele origin: germline.
Comment: This variant has not been published in the literature and is not present in population databases. This sequence change replaces histidine with arginine at codon 1317 of the MSH6 protein (p.His1317Arg). The histidine residue is moderately conserved and there is a small physicochemical difference between histidine and arginine. Algorithms developed to predict the effect of missense changes on protein structure and function (SIFT, PolyPhen-2, Align-GVGD) all suggest that this variant is likely to be tolerated, but these predictions have not been confirmed by published functional studies. In summary, this is a novel missense change that is not predicted to affect protein function or cause disease. However the evidence is insufficient at this time to prove that conclusively. It has been classified as a Variant of Uncertain Significance.

NM_000179.3(MSH6):c.3950A>G (p.His1317Arg)

Gene: MSH6 (mutS homolog 6; plus strand). Cytogenetic location: 2p16.3.
Variant type: single nucleotide variant.
Coding change: c.3950A>G on transcript NM_000179.3 (MANE Select); coding-DNA position 3950, A replaced by G.
Protein change: p.His1317Arg; replaces histidine 1317 with arginine.
Molecular consequence: missense variant.
Genome position (GRCh38, 1-based): chr2:47,806,600, A>G. VCF-style: chr2-47806600-A-G. GRCh37 (hg19) VCF-style: chr2-48033739-A-G.
Other names: c.3560A>G, p.His1187Arg (NM_001281492.2); c.3044A>G, p.His1015Arg (NM_001281493.2, NM_001281494.2); c.3950A>G (NM_000179.2); short protein forms H1015R, H1187R, H1317R.
Identifiers: ClinVar variation 1059451 (VCV001059451.8), dbSNP rs2104564078, ClinGen allele CA346761521.
Genomic context (GRCh38, chr2:47,806,600, plus strand): 5'-GCTATGGCTTTAATGCAGCAAGGCTTGCTAATCTCCCAGAGGAAGTTATTCAAAAGGGAC[A>G]TAGAAAAGCAAGAGAATTTGAGAAGATGAATCAGTCACTACGATTATTTCGGTAACTAAC-3'
Protein context (NP_000170.1, residues 1307-1327): NLPEEVIQKG[His1317Arg]RKAREFEKMN